The following is an entry in ClinVar:

NM_000179.3(MSH6):c.3016T>C (p.Tyr1006His)

Gene: MSH6 (mutS homolog 6; plus strand). Cytogenetic location: 2p16.3.
Variant type: single nucleotide variant.
Coding change: c.3016T>C on transcript NM_000179.3 (MANE Select); coding-DNA position 3016, T replaced by C.
Protein change: p.Tyr1006His; replaces tyrosine 1006 with histidine.
Molecular consequence: missense variant.
Genome position (GRCh38, 1-based): chr2:47,800,999, T>C. VCF-style: chr2-47800999-T-C. GRCh37 (hg19) VCF-style: chr2-48028138-T-C.
Other names: c.2626T>C, p.Tyr876His (NM_001281492.2); c.2110T>C, p.Tyr704His (NM_001281493.2, NM_001281494.2, NM_001406811.1 and 6 more transcripts); c.3112T>C, p.Tyr1038His (NM_001406795.1, NM_001406802.1); c.3016T>C, p.Tyr1006His (NM_001406796.1, NM_001406798.1, NM_001406800.1 and 2 more transcripts); c.2719T>C, p.Tyr907His (NM_001406797.1, NM_001406801.1, NM_001406805.1 and 10 more transcripts); c.2491T>C, p.Tyr831His (NM_001406799.1, NM_001406806.1, NM_001406807.1); c.2938T>C, p.Tyr980His (NM_001406804.1); c.3022T>C, p.Tyr1008His (NM_001406813.1); and 2 more; short protein forms Y1008H, Y321H, Y704H, Y831H, Y907H, Y950H, Y980H, Y1038H.
Identifiers: ClinVar variation 1798864 (VCV001798864.6), dbSNP rs2104436070, ClinGen allele CA346756428.

ClinVar aggregate classification (germline): Conflicting classifications of pathogenicity. Review status: criteria provided, conflicting classifications (1 of 4 stars). 2 submissions from 2 submitters: Likely pathogenic (1); Uncertain significance (1). Last evaluated 2025-04-25.

Conditions:
Hereditary nonpolyposis colorectal neoplasms. Identifiers: MedGen C0009405, MeSH D003123.
Hereditary cancer-predisposing syndrome. Also called: Neoplastic Syndromes, Hereditary; Tumor predisposition; Hereditary Cancer Syndrome; Hereditary neoplastic syndrome. Identifiers: Orphanet 140162, MedGen C0027672, MeSH D009386, MONDO:0015356.

Submissions (2):

Ambry Genetics
Classification: Likely pathogenic for Hereditary cancer-predisposing syndrome. Last evaluated: 2025-04-25. Review status: criteria provided, single submitter. Criteria: Ambry Variant Classification Scheme 2023. Collection method: clinical testing. Allele origin: germline.
Comment: The p.Y1006H variant (also known as c.3016T>C), located in coding exon 4 of the MSH6 gene, results from a T to C substitution at nucleotide position 3016. The tyrosine at codon 1006 is replaced by histidine, an amino acid with similar properties. This variant is considered to be rare based on population cohorts in the Genome Aggregation Database (gnomAD). This amino acid position is highly conserved in available vertebrate species. Based on internal structural analysis, Y1006H is deleterious (Ambry internal data). In addition, this alteration is predicted to be deleterious by in silico analysis. Based on the majority of available evidence to date, this variant is likely to be pathogenic.

Labcorp Genetics (formerly Invitae), Labcorp
Classification: Uncertain significance for Hereditary nonpolyposis colorectal neoplasms. Last evaluated: 2023-04-28. Review status: criteria provided, single submitter. Criteria: Invitae Variant Classification Sherloc (09022015). Collection method: clinical testing. Allele origin: germline.
Comment: This variant has not been reported in the literature in individuals affected with MSH6-related conditions. In summary, the available evidence is currently insufficient to determine the role of this variant in disease. Therefore, it has been classified as a Variant of Uncertain Significance. Advanced modeling of protein sequence and biophysical properties (such as structural, functional, and spatial information, amino acid conservation, physicochemical variation, residue mobility, and thermodynamic stability) performed at Invitae indicates that this missense variant is expected to disrupt MSH6 protein function. ClinVar contains an entry for this variant (Variation ID: 1798864). This variant is not present in population databases (gnomAD no frequency). This sequence change replaces tyrosine, which is neutral and polar, with histidine, which is basic and polar, at codon 1006 of the MSH6 protein (p.Tyr1006His).